The following is an entry in ClinVar:

NM_006899.5(IDH3B):c.*224C>A

Genes: IDH3B (isocitrate dehydrogenase (NAD(+)) 3 non-catalytic subunit beta; minus strand), LOC129391150 (MPRA-validated peak4124 silencer; plus strand). Cytogenetic location: 20p13.
Variant type: single nucleotide variant.
Coding change: c.*224C>A on transcript NM_006899.5 (MANE Select); 224 bases downstream of the stop codon, C replaced by A.
Molecular consequence: 3 prime UTR variant. On other transcripts: intron variant (2).
Genome position (GRCh38, 1-based): chr20:2,658,527, G>T on the plus strand (C>A on the coding strand, the complement: IDH3B is on the minus strand). VCF-style: chr20-2658527-G-T. GRCh37 (hg19) VCF-style: chr20-2639173-G-T.
Other names: NC_000020.10:g.2639173G>T; c.1072-5C>A (NM_174855.4); c.1151-5C>A (NM_001330763.2).
Identifiers: ClinVar variation 3047812 (VCV003047812.4), dbSNP rs375766433, ClinGen allele CA9734997.

ClinVar aggregate classification (germline): Likely benign. Review status: criteria provided, single submitter (1 of 4 stars). 2 submissions from 2 submitters: Likely benign (1). 1 of the submissions does not count toward it. Last evaluated 2024-11-19.

Conditions:
IDH3B-related disorder. Also called: IDH3B-related condition.

Allele frequency attached by ClinVar (database versions not stated): TOPMed 0.00009; ESP Exome Variant Server 0.00015; gnomAD 0.00017; ExAC 0.00023.
gnomAD v4.1: 284 of 1,613,820 alleles (0.018%); highest among the groups gnomAD compares: South Asian, 0.018%; no homozygotes.

Submissions (3):

Blueprint Genetics
Classification: Likely benign. Last evaluated: 2024-11-19. Review status: criteria provided, single submitter. Criteria: ACMG Guidelines, 2015. Collection method: clinical testing. Allele origin: germline.

PreventionGenetics, part of Exact Sciences
Classification: Likely benign for IDH3B-related condition. Last evaluated: 2019-02-22. Review status: no assertion criteria provided. Collection method: clinical testing. Allele origin: germline. Not counted in ClinVar's aggregate classification.
Comment: This variant is classified as likely benign based on ACMG/AMP sequence variant interpretation guidelines (Richards et al. 2015 PMID: 25741868, with internal and published modifications).

Dr. Peter K. Rogan Lab, Western University
No classification provided (evidence only). Condition: Gastric cancer. Review status: no classification provided. Collection method: in vitro. Allele origin: not applicable. Functional consequence: retained intron. Not counted in ClinVar's aggregate classification.